The following is an entry in ClinVar:

ClinVar aggregate classification (germline): Likely benign (1 of 4 stars; one submission).

Submission:

CeGaT Center for Human Genetics Tuebingen
Classification: Likely benign. Last evaluated: 2026-04-01. Review status: criteria provided, single submitter. Criteria: CeGaT Center For Human Genetics Tuebingen Variant Classification Criteria Version 2. Collection method: clinical testing. Allele origin: germline. Affected: yes. Observed: 3 variant alleles.
Comment: FMN2: BP4, BP7

NM_020066.5(FMN2):c.3372A>C (p.Leu1124=)

Gene: FMN2 (formin 2; plus strand). Cytogenetic location: 1q43.
Variant type: single nucleotide variant.
Coding change: c.3372A>C on transcript NM_020066.5 (MANE Select); coding-DNA position 3372, A replaced by C.
Protein change: p.Leu1124=; no amino-acid change (leucine 1124 retained).
Molecular consequence: synonymous variant. On other transcripts: intron variant (1).
Genome position (GRCh38, 1-based): chr1:240,208,184, A>C. VCF-style: chr1-240208184-A-C. GRCh37 (hg19) VCF-style: chr1-240371484-A-C.
Other names: c.3384A>C, p.Leu1128= (NM_001305424.2); c.1986+19922A>C (NM_001348094.2).
Identifiers: ClinVar variation 4085133 (VCV004085133.8).